The following is an entry in ClinVar:

ClinVar aggregate classification (germline): Conflicting classifications of pathogenicity. Review status: criteria provided, conflicting classifications (1 of 4 stars). 5 submissions from 5 submitters: Uncertain significance (4); Likely benign (1). Last evaluated 2026-07-29.

Conditions:
Malignant hyperthermia, susceptibility to, 5 (MHS5). Also called: CACNA1S-Related Malignant Hyperthermia Susceptibility. Identifiers: Orphanet 423, MedGen C1866077, MONDO:0011163, OMIM 601887.
Hypokalemic periodic paralysis, type 1. Also called: Hypokalemic Periodic Paralysis Type 1 (AD); HypoPP. Identifiers: Orphanet 681, MedGen C3714580, MONDO:0042979, OMIM 170400.

Allele frequency attached by ClinVar (database versions not stated): gnomAD 0.00005 and 0.00004; gnomAD exomes 0.00002 and 0.00005; ESP Exome Variant Server 0.00008; 1000 Genomes Project 30x 0.00016; 1000 Genomes Project 0.00020; TOPMed 0.00004; ExAC 0.00002.
gnomAD v4.1: 88 of 1,613,976 alleles (0.0055%); highest among the groups gnomAD compares: East Asian, 0.067%; no homozygotes.

Submissions (5):

GeneDx
Classification: Uncertain significance. Last evaluated: 2026-07-29. Review status: criteria provided, single submitter. Criteria: GeneDx Variant Classification Process June 2021. Collection method: clinical testing. Allele origin: germline.
Comment: Identified in the literature in an individual with Dravet Syndrome who was positive for an SCN1A variant and variants in other neuronal-associated genes (PMID: 28686619); Reported heterozygous in a patient within a schizophrenia cohort; additional clinical and segregation information not provided (PMID: 35220405); In silico analysis supports that this missense variant has a deleterious effect on protein structure/function; This variant is associated with the following publications: (PMID: 28686619, 35220405)

Labcorp Genetics (formerly Invitae), Labcorp
Classification: Likely benign for Hypokalemic periodic paralysis, type 1; Malignant hyperthermia, susceptibility to, 5. Last evaluated: 2026-02-03. Review status: criteria provided, single submitter. Criteria: Invitae Variant Classification Sherloc (09022015). Collection method: clinical testing. Allele origin: germline.

Color Diagnostics, LLC DBA Color Health
Classification: Uncertain significance for Malignant hyperthermia, susceptibility to, 5. Last evaluated: 2025-09-09. Review status: criteria provided, single submitter. Criteria: ACMG Guidelines, 2015. Collection method: clinical testing. Allele origin: germline.
Comment: This missense variant replaces valine with methionine at codon 878 of the CACNA1S protein. Computational prediction suggests that this variant may have deleterious impact on protein structure and function. To our knowledge, functional studies have not been reported for this variant. This variant has not been reported in individuals affected with CACNA1S-related disorders in the literature, but has been reported in one individual with SCN1A-related Dravet syndrome (PMID: 28686619). This variant has been identified in 5/282722 chromosomes in the general population by the Genome Aggregation Database (gnomAD). The available evidence is insufficient to determine the role of this variant in disease conclusively. Therefore, this variant is classified as a Variant of Uncertain Significance.

All of Us Research Program, National Institutes of Health
Classification: Uncertain significance for Malignant hyperthermia, susceptibility to, 5. Last evaluated: 2024-09-23. Review status: criteria provided, single submitter. Criteria: ACMG Guidelines, 2015. Collection method: clinical testing. Allele origin: germline. Inheritance: Autosomal dominant inheritance. Observed: 9 variant alleles, 9 heterozygotes.
Comment: This missense variant replaces valine with methionine at codon 878 of the CACNA1S protein. Computational prediction suggests that this variant may have deleterious impact on protein structure and function (internally defined REVEL score threshold >= 0.7, PMID: 27666373). To our knowledge, functional studies have not been reported for this variant. This variant has not been reported in individuals affected with CACNA1S-related disorders in the literature, but has been reported in one individual with SCN1A-related Dravet syndrome (PMID: 28686619). This variant has been identified in 5/282722 chromosomes in the general population by the Genome Aggregation Database (gnomAD). The available evidence is insufficient to determine the role of this variant in disease conclusively. Therefore, this variant is classified as a Variant of Uncertain Significance.

This study involves interpretation of variants in research participants for the purpose of population health screening. Participant phenotype was not available at the time of variant classification. Additional details can be found in publication PMID: 35346344, PMCID: PMC8962531

Women's Health and Genetics/Laboratory Corporation of America, LabCorp
Classification: Uncertain significance. Last evaluated: 2018-06-14. Review status: criteria provided, single submitter. Criteria: LabCorp Variant Classification Summary - May 2015. Collection method: clinical testing. Allele origin: germline.
Comment: Variant summary: CACNA1S c.2632G>A (p.Val878Met) results in a conservative amino acid change located in the Ion transport domain of the encoded protein sequence. Four of five in-silico tools predict a damaging effect of the variant on protein function. The variant allele was found at a frequency of 1.8e-05 in 277096 control chromosomes (gnomAD). The available data on variant occurrences in the general population are insufficient to allow any conclusion about variant significance. The variant, c.2632G>A, has been reported in the literature in individuals affected with SCN1A-positive Dravet Syndrome. These report(s) do not provide unequivocal conclusions about association of the variant with Hypokalemic Periodic Paralysis. To our knowledge, no experimental evidence demonstrating an impact on protein function has been reported. No clinical diagnostic laboratories have submitted clinical-significance assessments for this variant to ClinVar after 2014. Based on the evidence outlined above, the variant was classified as uncertain significance.

Literature cited by the submitters: PubMed 28686619 (cited by 3 submitters).

NM_000069.3(CACNA1S):c.2632G>A (p.Val878Met)

Gene: CACNA1S (calcium voltage-gated channel subunit alpha1 S; minus strand). Cytogenetic location: 1q32.1.
Variant type: single nucleotide variant.
Coding change: c.2632G>A on transcript NM_000069.3 (MANE Select); coding-DNA position 2632, G replaced by A.
Protein change: p.Val878Met; replaces valine 878 with methionine.
Molecular consequence: missense variant.
Genome position (GRCh38, 1-based): chr1:201,066,912, C>T on the plus strand (G>A on the coding strand, the complement: CACNA1S is on the minus strand). VCF-style: chr1-201066912-C-T. GRCh37 (hg19) VCF-style: chr1-201036040-C-T.
Other names: short protein forms V878M.
Identifiers: ClinVar variation 632737 (VCV000632737.12), dbSNP rs202131129, ClinGen allele CA079148.
Genomic context (GRCh38, chr1:201,066,912, plus strand): 5'-GTCTGTGCCCAGGGCTGGCCCTTGCCGCTGCTCACTCAAGTCCCATGGAGATGAGGGACA[C>T]GGCCACCACCAGCAGGTCCAGCATGTTGAAGTAATTGCGGCAGAAGGAACCCTTGTGCAG-3'
Protein context (NP_000060.2, residues 868-888): FNMLDLLVVA[Val878Met]SLISMGLESS